The following is an entry in ClinVar:

ClinVar aggregate classification (germline): Uncertain significance (0 of 4 stars; one submission).

Conditions:
ARFGEF1-related disorder. Also called: ARFGEF1-related condition.

Submission:

PreventionGenetics, part of Exact Sciences
Classification: Uncertain significance for ARFGEF1-related condition. Last evaluated: 2024-08-16. Review status: no assertion criteria provided. Collection method: clinical testing. Allele origin: germline.
Comment: The ARFGEF1 c.1174A>G variant is predicted to result in the amino acid substitution p.Arg392Gly. To our knowledge, this variant has not been reported in the literature or in a large population database, indicating this variant is rare. At this time, the clinical significance of this variant is uncertain due to the absence of conclusive functional and genetic evidence.

NM_006421.5(ARFGEF1):c.1174A>G (p.Arg392Gly)

Gene: ARFGEF1 (ARF guanine nucleotide exchange factor 1; minus strand). Cytogenetic location: 8q13.2.
Variant type: single nucleotide variant.
Coding change: c.1174A>G on transcript NM_006421.5 (MANE Select); coding-DNA position 1174, A replaced by G.
Protein change: p.Arg392Gly; replaces arginine 392 with glycine.
Molecular consequence: missense variant. On other transcripts: non-coding transcript variant (1), intron variant (1).
Genome position (GRCh38, 1-based): chr8:67,277,311, T>C on the plus strand (A>G on the coding strand, the complement: ARFGEF1 is on the minus strand). VCF-style: chr8-67277311-T-C. GRCh37 (hg19) VCF-style: chr8-68189546-T-C.
Other names: c.1174A>G, p.Arg392Gly (NM_001413184.1, NM_001413185.1, NM_001413186.1 and 7 more transcripts); c.574A>G, p.Arg192Gly (NM_001413188.1, NM_001413193.1, NM_001413197.1); c.-88-5375A>G (NM_001413196.1); short protein forms R192G, R392G.
Identifiers: ClinVar variation 3347434 (VCV003347434.1).